The following is an entry in ClinVar:

NM_001276270.2(MBD4):c.1239C>T (p.Ser413=)

Gene: MBD4 (methyl-CpG binding domain 4, DNA glycosylase; minus strand). Cytogenetic location: 3q21.3.
Variant type: single nucleotide variant.
Coding change: c.1239C>T on transcript NM_001276270.2 (MANE Select); coding-DNA position 1239, C replaced by T.
Protein change: p.Ser413=; no amino-acid change (serine 413 retained).
Molecular consequence: synonymous variant.
Genome position (GRCh38, 1-based): chr3:129,434,081, G>A on the plus strand (C>T on the coding strand, the complement: MBD4 is on the minus strand). VCF-style: chr3-129434081-G-A. GRCh37 (hg19) VCF-style: chr3-129152924-G-A.
Other names: c.1257C>T, p.Ser419= (NM_001276271.2, NM_001276272.2, NM_003925.3); c.303C>T, p.Ser101= (NM_001276273.2).
Identifiers: ClinVar variation 3692324 (VCV003692324.3).
Genomic context (GRCh38, chr3:129,434,081, plus strand): 5'-AATGGAATTAGAATTTGCTGTTCTGATTGGGAAAGGGATACCTTCTTTGTTATATTTGCT[G>A]GAAAAATACAGGCTTGTTTTCCTTCTTTCTATCTGTGTTCGTGGGATGGTATCTTCTGAA-3'
Protein context (NP_001263199.1, residues 403-423): IERRKTSLYF[Ser413=]SKYNKEALSP

ClinVar aggregate classification (germline): Uncertain significance. Review status: criteria provided, multiple submitters, no conflicts (2 of 4 stars). 2 submissions from 2 submitters: Uncertain significance (2). Last evaluated 2025-07-17.

Conditions:
Inborn genetic diseases. Identifiers: MedGen C0950123, MeSH D030342.

Submissions (2):

Ambry Genetics
Classification: Uncertain significance for Inborn genetic diseases. Last evaluated: 2025-07-17. Review status: criteria provided, single submitter. Criteria: Ambry Variant Classification Scheme 2023. Collection method: clinical testing. Allele origin: germline.
Comment: The c.1239C>T variant (also known as p.S413S), located in coding exon 4 of the MBD4 gene, results from a C to T substitution at nucleotide position 1239. This nucleotide substitution does not change the amino acid at codon 413. This nucleotide position is highly conserved in available vertebrate species. In silico splice site analysis predicts that this alteration may weaken the native splice donor site. Based on the available evidence, the clinical significance of this variant remains unclear.

Labcorp Genetics (formerly Invitae), Labcorp
Classification: Uncertain significance. Last evaluated: 2024-10-17. Review status: criteria provided, single submitter. Criteria: Invitae Variant Classification Sherloc (09022015). Collection method: clinical testing. Allele origin: germline.
Comment: This sequence change affects codon 419 of the MBD4 mRNA. It is a 'silent' change, meaning that it does not change the encoded amino acid sequence of the MBD4 protein. This variant is not present in population databases (gnomAD no frequency). This variant has not been reported in the literature in individuals affected with MBD4-related conditions. Algorithms developed to predict the effect of sequence changes on RNA splicing suggest that this variant may disrupt the consensus splice site. In summary, the available evidence is currently insufficient to determine the role of this variant in disease. Therefore, it has been classified as a Variant of Uncertain Significance.